The following is an entry in ClinVar:

NM_001378454.1(ALMS1):c.1259A>C (p.Glu420Ala)

Gene: ALMS1 (ALMS1 centrosome and basal body associated protein; plus strand). Cytogenetic location: 2p13.1.
Variant type: single nucleotide variant.
Coding change: c.1259A>C on transcript NM_001378454.1 (MANE Select); coding-DNA position 1259, A replaced by C.
Protein change: p.Glu420Ala; replaces glutamic acid 420 with alanine.
Molecular consequence: missense variant.
Genome position (GRCh38, 1-based): chr2:73,426,474, A>C. VCF-style: chr2-73426474-A-C. GRCh37 (hg19) VCF-style: chr2-73653602-A-C.
Other names: c.1262A>C, p.Glu421Ala (NM_015120.4); short protein forms E421A, E420A.
Identifiers: ClinVar variation 2023259 (VCV002023259.1), dbSNP rs1300820006, ClinGen allele CA347261855.
Genomic context (GRCh38, chr2:73,426,474, plus strand): 5'-CTATACATACAATTATGCAAAATGACTCCTATTTTGTAGAGGGCCTGCAGGGGAAGGTTG[A>C]GTCTGACGTCATTACTCTGGATGGCCTAAATGAAAATGCTGTTGTATGCAGTGAAAGAGT-3'
Protein context (NP_001365383.1, residues 410-430): YLTKGLQGKV[Glu420Ala]SDVITLDGLN

ClinVar aggregate classification (germline): Uncertain significance (1 of 4 stars; one submission).

Conditions:
Alstrom syndrome (ALMS). Identifiers: Orphanet 64, MedGen C0268425, MONDO:0008763, OMIM 203800.

Allele frequency attached by ClinVar (database versions not stated): gnomAD exomes below 0.00001.
gnomAD v4.1: 5 of 1,614,146 alleles (0.00031%); highest among the groups gnomAD compares: Non-Finnish European, 0.00034%; no homozygotes.

Submission:

Labcorp Genetics (formerly Invitae), Labcorp
Classification: Uncertain significance for Alstrom syndrome. Last evaluated: 2022-03-04. Review status: criteria provided, single submitter. Criteria: Invitae Variant Classification Sherloc (09022015). Collection method: clinical testing. Allele origin: germline.
Comment: This sequence change replaces glutamic acid, which is acidic and polar, with alanine, which is neutral and non-polar, at codon 421 of the ALMS1 protein (p.Glu421Ala). This variant is present in population databases (no rsID available, gnomAD 0.0009%). This variant has not been reported in the literature in individuals affected with ALMS1-related conditions. Experimental studies and prediction algorithms are not available or were not evaluated, and the functional significance of this variant is currently unknown. In summary, the available evidence is currently insufficient to determine the role of this variant in disease. Therefore, it has been classified as a Variant of Uncertain Significance.